The following is an entry in ClinVar:

NM_021971.4(GMPPB):c.-87C>T

Gene: GMPPB (GDP-mannose pyrophosphorylase B; minus strand). Cytogenetic location: 3p21.31.
Variant type: single nucleotide variant.
Coding change: c.-87C>T on transcript NM_021971.4 (MANE Select); 87 bases upstream of the start codon, C replaced by T.
Molecular consequence: 5 prime UTR variant.
Genome position (GRCh38, 1-based): chr3:49,723,813, G>A on the plus strand (C>T on the coding strand, the complement: GMPPB is on the minus strand). VCF-style: chr3-49723813-G-A. GRCh37 (hg19) VCF-style: chr3-49761246-G-A.
Other names: c.-87C>T (NM_013334.4).
Identifiers: ClinVar variation 4990403 (VCV004990403.1).

ClinVar aggregate classification (germline): Likely pathogenic (1 of 4 stars; one submission).

Conditions:
GMPPB-related disorder. Also called: GMPPB-related condition; GMPPB-related disorders.

gnomAD v4.1: 62 of 1,424,514 alleles (0.0044%); highest among the groups gnomAD compares: Non-Finnish European, 0.0054%; no homozygotes.

Submission:

PreventionGenetics, part of Exact Sciences
Classification: Likely pathogenic for GMPPB-related condition. Last evaluated: 2026-09-22. Review status: criteria provided, single submitter. Criteria: ACMG Guidelines, 2015. Collection method: clinical testing. Allele origin: germline.
Comment: The GMPPB c.-87C>T variant is located in the 5' untranslated region. This variant has been reported in the compound heterozygous state with an additional GMPPB variant in an individual with congenital muscular dystrophy and GMPPB expression was measured to be decreased (referred to as "g.49761246G>A" in Gonorazky et al. 2019. PubMed ID: 30827497; Gonorazky et al. 2019. PubMed ID: 31051109). RNAseq analysis shows this variant results in an alternate start codon and an in-frame addition of 29 amino acids (Gonorazky et al. 2019. PubMed ID: 30827497). This variant has been observed in the homozygous state in a patient with muscle biopsy and clinical features consistent with a severe GMPPB-related muscular dystrophy (personal communication). This variant has not been reported in a large population database (gnomAD), indicating this variant is rare. In summary, we interpret this variant as likely pathogenic.